The following is an entry in ClinVar:

NM_001939.3(DRP2):c.1891G>A (p.Val631Ile)

Gene: DRP2 (dystrophin related protein 2; plus strand). Cytogenetic location: Xq22.1.
Variant type: single nucleotide variant.
Coding change: c.1891G>A on transcript NM_001939.3 (MANE Select); coding-DNA position 1891, G replaced by A.
Protein change: p.Val631Ile; replaces valine 631 with isoleucine.
Molecular consequence: missense variant.
Genome position (GRCh38, 1-based): chrX:101,252,630, G>A. VCF-style: chrX-101252630-G-A. GRCh37 (hg19) VCF-style: chrX-100507619-G-A.
Other names: c.1657G>A, p.Val553Ile (NM_001171184.2); short protein forms V553I, V631I.
Identifiers: ClinVar variation 1504284 (VCV001504284.6), dbSNP rs769301689, ClinGen allele CA10472366.
Genomic context (GRCh38, chrX:101,252,630, plus strand): 5'-GACTCTCTTTCCTACTACATCTCCTCTCCCCCAAGGTACCGGAGTCTGAAGCAATTCAAC[G>A]TTGACATCTGCCAGACCTGCTTCTTGACAGGCAGGGCCAGCAAAGGCAATAAGCTGCACT-3'
Protein context (NP_001930.2, residues 621-641): FRYRSLKQFN[Val631Ile]DICQTCFLTG

ClinVar aggregate classification (germline): Uncertain significance (1 of 4 stars; one submission).

Allele frequency attached by ClinVar (database versions not stated): gnomAD exomes below 0.00001 and 0.00002; TOPMed below 0.00001.

Submission:

Labcorp Genetics (formerly Invitae), Labcorp
Classification: Uncertain significance. Last evaluated: 2023-12-09. Review status: criteria provided, single submitter. Criteria: Invitae Variant Classification Sherloc (09022015). Collection method: clinical testing. Allele origin: germline.
Comment: This sequence change replaces valine, which is neutral and non-polar, with isoleucine, which is neutral and non-polar, at codon 631 of the DRP2 protein (p.Val631Ile). This variant is present in population databases (rs769301689, gnomAD 0.007%). This variant has not been reported in the literature in individuals affected with DRP2-related conditions. ClinVar contains an entry for this variant (Variation ID: 1504284). Advanced modeling of protein sequence and biophysical properties (such as structural, functional, and spatial information, amino acid conservation, physicochemical variation, residue mobility, and thermodynamic stability) performed at Invitae indicates that this missense variant is not expected to disrupt DRP2 protein function with a negative predictive value of 80%. In summary, the available evidence is currently insufficient to determine the role of this variant in disease. Therefore, it has been classified as a Variant of Uncertain Significance.